The following is an entry in ClinVar:

ClinVar aggregate classification (germline): Pathogenic/Likely pathogenic. Review status: criteria provided, multiple submitters, no conflicts (2 of 4 stars). 5 submissions from 5 submitters: Pathogenic (3); Likely pathogenic (2). Last evaluated 2025-09-26.

Conditions:
Glycogen storage disease, type V (GSD5). Also called: MUSCLE GLYCOGEN PHOSPHORYLASE DEFICIENCY; MYOPHOSPHORYLASE DEFICIENCY; PYGM DEFICIENCY; McArdle type glycogen storage disease; MCARDLE DISEASE. Identifiers: Orphanet 368, MedGen C0017924, MONDO:0009293, OMIM 232600.

Submissions (5):

Myriad Genetics, Inc.
Classification: Pathogenic for Glycogen storage disease, type V. Last evaluated: 2025-09-26. Review status: criteria provided, single submitter. Criteria: Myriad Autosomal Dominant, Autosomal Recessive and X-Linked Classification Criteria (2023). Collection method: clinical testing. Allele origin: unknown.
Comment: NM_005609.2(PYGM):c.21_28dup8(K10Tfs*19) is a frameshift variant classified as pathogenic in the context of glycogen storage disease, PYGM-related. K10Tfs*19 has not been observed in cases with relevant disease. Relevant functional assessments of this variant are not available in the literature. K10Tfs*19 has been observed in referenced population frequency databases. In summary, NM_005609.2(PYGM):c.21_28dup8(K10Tfs*19) is a frameshift variant in a gene where loss of function is a known mechanism of disease and is predicted to disrupt protein function. Please note: this variant was assessed in the context of healthy population screening.

Natera, Inc.
Classification: Likely pathogenic for Glycogen storage disease V. Last evaluated: 2025-03-28. Review status: criteria provided, single submitter. Criteria: Natera Variant Classification Schema (03/2026). Collection method: clinical testing. Allele origin: germline.
Comment: The c.21_28dupCCAAGAGA variant in PYGM is a frameshift variant predicted to shift the reading frame beginning at codon 10 and leads to a stop codon 19 codons downstream. This variant is expected to result in nonsense mediated decay, truncation, or a dysfunctional protein product. This variant is rare in the general population with a frequency below the threshold expected for the associated phenotype(s). Given the available evidence, this variant is classified as Likely Pathogenic.

Labcorp Genetics (formerly Invitae), Labcorp
Classification: Pathogenic for Glycogen storage disease, type V. Last evaluated: 2025-01-01. Review status: criteria provided, single submitter. Criteria: Invitae Variant Classification Sherloc (09022015). Collection method: clinical testing. Allele origin: germline.
Comment: This sequence change creates a premature translational stop signal (p.Lys10Thrfs*19) in the PYGM gene. It is expected to result in an absent or disrupted protein product. Loss-of-function variants in PYGM are known to be pathogenic (PMID: 8316268, 16786513). This variant is present in population databases (rs770037766, gnomAD 0.002%). This premature translational stop signal has been observed in individual(s) with recurrent rhabdomyolysis (PMID: 22899091). ClinVar contains an entry for this variant (Variation ID: 582100). For these reasons, this variant has been classified as Pathogenic.

Baylor Genetics
Classification: Pathogenic for Glycogen storage disease, type V. Last evaluated: 2024-01-03. Review status: criteria provided, single submitter. Criteria: ACMG Guidelines, 2015. Collection method: clinical testing. Allele origin: unknown.

Women's Health and Genetics/Laboratory Corporation of America, LabCorp
Classification: Likely pathogenic for Glycogen storage disease, type V. Last evaluated: 2023-03-10. Review status: criteria provided, single submitter. Criteria: LabCorp Variant Classification Summary - May 2015. Collection method: clinical testing. Allele origin: germline.
Comment: Variant summary: PYGM c.21_28dupCCAAGAGA (p.Lys10ThrfsX19) results in a premature termination codon, predicted to cause a truncation of the encoded protein or absence of the protein due to nonsense mediated decay, which are commonly known mechanisms for disease. Truncations downstream of this position have been classified as pathogenic by our laboratory. The variant allele was found at a frequency of 4e-06 in 251390 control chromosomes. c.21_28dupCCAAGAGA has been reported in the literature in the heterozygous state in an individual affected with recurrent rhabdomyolysis which was explained by CPTII deficiency (Wang_2013). To our knowledge, no experimental evidence demonstrating an impact on protein function has been reported. One clinical diagnostic laboratory has submitted clinical-significance assessments for this variant to ClinVar after 2014 without evidence for independent evaluation. One laboratory classified the variant as pathogenic. Based on the evidence outlined above, the variant was classified as likely pathogenic.

Literature cited by the submitters: PubMed 8316268 (cited by Labcorp Genetics (formerly Invitae), Labcorp); PubMed 16786513 (cited by Labcorp Genetics (formerly Invitae), Labcorp); PubMed 22899091 (cited by Labcorp Genetics (formerly Invitae), Labcorp and Women's Health and Genetics/Laboratory Corporation of America, LabCorp).

NM_005609.4(PYGM):c.21_28dup (p.Lys10fs)

Gene: PYGM (glycogen phosphorylase, muscle associated; minus strand). Cytogenetic location: 11q13.1.
Variant type: Duplication.
Coding change: c.21_28dup on transcript NM_005609.4 (MANE Select); coding-DNA positions 21 to 28, 8 bases duplicated (CCAAGAGA; older notation c.21_28dupCCAAGAGA).
Protein change: p.Lys10fs; shifts the reading frame from lysine 10.
Molecular consequence: frameshift variant.
Genome position (GRCh38, 1-based): chr11:64,759,871-64,759,878, TCTCTTGG duplicated on the plus strand (CCAAGAGA on the coding strand, the reverse complement: PYGM is on the minus strand); duplicating any 8 consecutive bases within chr11:64,759,871-64,759,881 gives the same sequence; the c. name uses the placement nearest the transcript's 3' end. VCF-style (leftmost placement, unchanged base first): chr11-64759870-T-TTCTCTTGG. GRCh37 (hg19) VCF-style: chr11-64527342-T-TTCTCTTGG.
Other names: c.21_28dup, p.Lys10fs (NM_001164716.1); c.21_28dupCCAAGAGA (NM_005609.3); short protein forms K10fs.
Identifiers: ClinVar variation 582100 (VCV000582100.15), dbSNP rs770037766, ClinGen allele CA6080391.